The following is an entry in ClinVar:

ClinVar aggregate classification (germline): Uncertain significance (1 of 4 stars; one submission).

Conditions:
Mitochondrial myopathy-cerebellar ataxia-pigmentary retinopathy syndrome. Also called: MYOPATHY, MITOCHONDRIAL, AND ATAXIA. Identifiers: Orphanet 502423, MedGen C4540096, MONDO:0044714, OMIM 617675.

Submission:

Foundation for Research in Genetics and Endocrinology, FRIGE's Institute of Human Genetics
Classification: Uncertain significance for Mitochondrial myopathy-cerebellar ataxia-pigmentary retinopathy syndrome. Last evaluated: 2022-12-08. Review status: criteria provided, single submitter. Criteria: ACMG Guidelines, 2015. Collection method: clinical testing. Allele origin: germline. Inheritance: Autosomal recessive inheritance. Affected: yes. Observed: 1 heterozygote.
Comment: A heterozygous missense variation in exon 8 of the MSTO1 gene that results in the amino acid substitution of Aspartic acid for Glycine at codon 242 was detected. The observed variant c.725G>A (p.Gly242Asp) has not been reported in the 1000 genomes, gnomAD and our internal databases. The in silico prediction of the variant are possibly damaging by PolyPhen-2 (HumDiv), damaging by SIFT, LRT and MutationTaster2. The reference codon is conserved across species. In summary, the variant is of uncertain significance.

NM_018116.4(MSTO1):c.725G>A (p.Gly242Asp)

Gene: MSTO1 (misato mitochondrial distribution and morphology regulator 1; plus strand). Cytogenetic location: 1q22.
Variant type: single nucleotide variant.
Coding change: c.725G>A on transcript NM_018116.4 (MANE Select); coding-DNA position 725, G replaced by A.
Protein change: p.Gly242Asp; replaces glycine 242 with aspartic acid.
Molecular consequence: missense variant. On other transcripts: non-coding transcript variant (6).
Genome position (GRCh38, 1-based): chr1:155,612,228, G>A. VCF-style: chr1-155612228-G-A. GRCh37 (hg19) VCF-style: chr1-155582019-G-A.
Other names: p.Gly242Asp; c.725G>A, p.Gly242Asp (NM_001256532.1, NM_001256533.1, NM_001350772.1 and 3 more transcripts); c.560G>A, p.Gly187Asp (NM_001350776.1); c.194G>A, p.Gly65Asp (NM_001350777.1, NM_001350778.1, NM_001350779.1); c.191G>A, p.Gly64Asp (NM_001350780.1, NM_001350781.1, NM_001350782.1 and 3 more transcripts); c.182G>A, p.Gly61Asp (NM_001350784.1, NM_001350785.1, NM_001350787.1 and 1 more transcripts); short protein forms G187D, G242D, G61D, G64D, G65D.
Identifiers: ClinVar variation 1810197 (VCV001810197.2), dbSNP rs368293868, ClinGen allele CA342758301.
Genomic context (GRCh38, chr1:155,612,228, plus strand): 5'-TCACCCCCGTCCAGGGCTTCCAGATCCTGTGTGACCTGCACGATGGCTTCTCTGGGGTAG[G>A]CGCGAAGGCGGCAGAGCTGCTACAAGATGAATATTCAGGGCGGGGAATAATAACCTGGGG-3'
Protein context (NP_060586.2, residues 232-252): CDLHDGFSGV[Gly242Asp]AKAAELLQDE